The following is an entry in ClinVar:

NM_145725.3(TRAF3):c.188C>T (p.Pro63Leu)

Gene: TRAF3 (TNF receptor associated factor 3; plus strand). Cytogenetic location: 14q32.32.
Variant type: single nucleotide variant.
Coding change: c.188C>T on transcript NM_145725.3 (MANE Select); coding-DNA position 188, C replaced by T.
Protein change: p.Pro63Leu; replaces proline 63 with leucine.
Molecular consequence: missense variant.
Genome position (GRCh38, 1-based): chr14:102,870,389, C>T. VCF-style: chr14-102870389-C-T. GRCh37 (hg19) VCF-style: chr14-103336726-C-T.
Other names: c.188C>T, p.Pro63Leu (NM_001199427.2, NM_001385142.1, NM_001385143.1 and 2 more transcripts); short protein forms P63L.
Identifiers: ClinVar variation 939401 (VCV000939401.10), dbSNP rs1888267235, ClinGen allele CA391069899.
Genomic context (GRCh38, chr14:102,870,389, plus strand): 5'-TTGTGAAGACCGTGGAGGACAAGTACAAGTGTGAGAAGTGCCACCTGGTGCTGTGCAGCC[C>T]GAAGCAGACCGAGTGTGGGCACCGCTTCTGCGAGAGCTGCATGGCGGCCCTGCTGAGGTA-3'
Protein context (NP_663777.1, residues 53-73): CEKCHLVLCS[Pro63Leu]KQTECGHRFC

ClinVar aggregate classification (germline): Uncertain significance (1 of 4 stars; one submission).

Conditions:
Immunodeficiency 132A. Also called: Herpes simplex encephalitis, susceptibility to, 3. Identifiers: Orphanet 1930, MedGen C3553868, MONDO:0013920, OMIM 614849.

Submission:

Labcorp Genetics (formerly Invitae), Labcorp
Classification: Uncertain significance for Immunodeficiency 132A. Last evaluated: 2025-10-21. Review status: criteria provided, single submitter. Criteria: Invitae Variant Classification Sherloc (09022015). Collection method: clinical testing. Allele origin: germline.
Comment: This sequence change replaces proline, which is neutral and non-polar, with leucine, which is neutral and non-polar, at codon 63 of the TRAF3 protein (p.Pro63Leu). This variant is not present in population databases (gnomAD no frequency). This variant has not been reported in the literature in individuals affected with TRAF3-related conditions. ClinVar contains an entry for this variant (Variation ID: 939401). An algorithm developed to predict the effect of missense changes on protein structure and function (PolyPhen-2) suggests that this variant is likely to be disruptive. In summary, the available evidence is currently insufficient to determine the role of this variant in disease. Therefore, it has been classified as a Variant of Uncertain Significance.